The following is an entry in ClinVar:

ClinVar aggregate classification (germline): Uncertain significance (1 of 4 stars; one submission).

Allele frequency attached by ClinVar (database versions not stated): ExAC 0.00001; gnomAD 0.00001; 1000 Genomes Project 0.00020; 1000 Genomes Project 30x 0.00031.
gnomAD v4.1: 1 of 1,613,284 alleles (0.000062%); highest among the groups gnomAD compares: Admixed American, 0.0017%; no homozygotes.

Submission:

Labcorp Genetics (formerly Invitae), Labcorp
Classification: Uncertain significance. Last evaluated: 2023-10-30. Review status: criteria provided, single submitter. Criteria: Invitae Variant Classification Sherloc (09022015). Collection method: clinical testing. Allele origin: germline.
Comment: This sequence change replaces aspartic acid, which is acidic and polar, with tyrosine, which is neutral and polar, at codon 419 of the PITPNM3 protein (p.Asp419Tyr). This variant is present in population databases (rs188933962, gnomAD 0.003%). This variant has not been reported in the literature in individuals affected with PITPNM3-related conditions. Advanced modeling of protein sequence and biophysical properties (such as structural, functional, and spatial information, amino acid conservation, physicochemical variation, residue mobility, and thermodynamic stability) performed at Invitae indicates that this missense variant is not expected to disrupt PITPNM3 protein function with a negative predictive value of 80%. In summary, the available evidence is currently insufficient to determine the role of this variant in disease. Therefore, it has been classified as a Variant of Uncertain Significance.

NM_031220.4(PITPNM3):c.1255G>T (p.Asp419Tyr)

Gene: PITPNM3 (PITPNM family member 3; minus strand). Cytogenetic location: 17p13.2.
Variant type: single nucleotide variant.
Coding change: c.1255G>T on transcript NM_031220.4 (MANE Select); coding-DNA position 1255, G replaced by T.
Protein change: p.Asp419Tyr; replaces aspartic acid 419 with tyrosine.
Molecular consequence: missense variant.
Genome position (GRCh38, 1-based): chr17:6,474,435, C>A on the plus strand (G>T on the coding strand, the complement: PITPNM3 is on the minus strand). VCF-style: chr17-6474435-C-A. GRCh37 (hg19) VCF-style: chr17-6377755-C-A.
Other names: c.1147G>T, p.Asp383Tyr (NM_001165966.2); short protein forms D383Y, D419Y.
Identifiers: ClinVar variation 2881143 (VCV002881143.3), dbSNP rs188933962, ClinGen allele CA8329572.